The following is an entry in ClinVar:

NM_016507.4(CDK12):c.2626G>A (p.Ala876Thr)

Gene: CDK12 (cyclin dependent kinase 12; plus strand). Cytogenetic location: 17q12.
Variant type: single nucleotide variant.
Coding change: c.2626G>A on transcript NM_016507.4 (MANE Select); coding-DNA position 2626, G replaced by A.
Protein change: p.Ala876Thr; replaces alanine 876 with threonine.
Molecular consequence: missense variant.
Genome position (GRCh38, 1-based): chr17:39,509,721, G>A. VCF-style: chr17-39509721-G-A. GRCh37 (hg19) VCF-style: chr17-37665974-G-A.
Other names: c.2626G>A, p.Ala876Thr (NM_015083.4); short protein forms A876T.
Identifiers: ClinVar variation 2486722 (VCV002486722.3), dbSNP rs1316596403, ClinGen allele CA398838663.

ClinVar aggregate classification (germline): Uncertain significance (1 of 4 stars; one submission).

Allele frequency attached by ClinVar (database versions not stated): gnomAD exomes below 0.00001; TOPMed 0.00003.
gnomAD v4.1: 3 of 1,612,976 alleles (0.00019%); highest among the groups gnomAD compares: African/African-American, 0.0027%; no homozygotes.

Submission:

Ambry Genetics
Classification: Uncertain significance. Last evaluated: 2025-04-05. Review status: criteria provided, single submitter. Criteria: Ambry Variant Classification Scheme 2023. Collection method: clinical testing. Allele origin: germline.
Comment: The p.A876T variant (also known as c.2626G>A), located in coding exon 7 of the CDK12 gene, results from a G to A substitution at nucleotide position 2626. The alanine at codon 876 is replaced by threonine, an amino acid with similar properties. This amino acid position is conserved. In addition, the in silico prediction for this alteration is inconclusive. Based on the available evidence, the clinical significance of this variant remains unclear.